The following is an entry in ClinVar:

ClinVar aggregate classification (germline): Uncertain significance (1 of 4 stars; one submission).

Submission:

Ambry Genetics
Classification: Uncertain significance. Last evaluated: 2024-05-24. Review status: criteria provided, single submitter. Criteria: Ambry Variant Classification Scheme 2023. Collection method: clinical testing. Allele origin: germline.
Comment: The p.S1026G variant (also known as c.3076A>G), located in coding exon 19 of the MYOM1 gene, results from an A to G substitution at nucleotide position 3076. The serine at codon 1026 is replaced by glycine, an amino acid with similar properties. This amino acid position is conserved. In addition, the in silico prediction for this alteration is inconclusive. Based on the available evidence, the clinical significance of this variant remains unclear.

NM_003803.4(MYOM1):c.3076A>G (p.Ser1026Gly)

Gene: MYOM1 (myomesin 1; minus strand). Cytogenetic location: 18p11.31.
Variant type: single nucleotide variant.
Coding change: c.3076A>G on transcript NM_003803.4 (MANE Select); coding-DNA position 3076, A replaced by G.
Protein change: p.Ser1026Gly; replaces serine 1026 with glycine.
Molecular consequence: missense variant.
Genome position (GRCh38, 1-based): chr18:3,119,911, T>C on the plus strand (A>G on the coding strand, the complement: MYOM1 is on the minus strand). VCF-style: chr18-3119911-T-C. GRCh37 (hg19) VCF-style: chr18-3119909-T-C.
Other names: c.2788A>G, p.Ser930Gly (NM_019856.2); short protein forms S1026G, S930G.
Identifiers: ClinVar variation 3298040 (VCV003298040.1).